The following is an entry in ClinVar:

ClinVar aggregate classification (germline): Uncertain significance (1 of 4 stars; one submission).

Conditions:
Inborn genetic diseases. Identifiers: MedGen C0950123, MeSH D030342.

Submission:

Ambry Genetics
Classification: Uncertain significance for Inborn genetic diseases. Last evaluated: 2026-04-28. Review status: criteria provided, single submitter. Criteria: Ambry Variant Classification Scheme 2023. Collection method: clinical testing. Allele origin: germline.
Comment: The p.P105A variant (also known as c.313C>G), located in coding exon 2 of the HAX1 gene, results from a C to G substitution at nucleotide position 313. The proline at codon 105 is replaced by alanine, an amino acid with highly similar properties. This amino acid position is conserved. In addition, this alteration is predicted to be tolerated by in silico analysis. Based on the available evidence, the clinical significance of this variant remains unclear.

NM_006118.4(HAX1):c.313C>G (p.Pro105Ala)

Gene: HAX1 (HCLS1 associated protein X-1; plus strand). Cytogenetic location: 1q21.3.
Variant type: single nucleotide variant.
Coding change: c.313C>G on transcript NM_006118.4 (MANE Select); coding-DNA position 313, C replaced by G.
Protein change: p.Pro105Ala; replaces proline 105 with alanine.
Molecular consequence: missense variant.
Genome position (GRCh38, 1-based): chr1:154,273,595, C>G. VCF-style: chr1-154273595-C-G. GRCh37 (hg19) VCF-style: chr1-154246071-C-G.
Other names: c.169C>G, p.Pro57Ala (NM_001018837.2); short protein forms P105A, P57A.
Identifiers: ClinVar variation 4858275 (VCV004858275.1).